The following is an entry in ClinVar:

NM_003978.5(PSTPIP1):c.1225C>A (p.Pro409Thr)

Gene: PSTPIP1 (proline-serine-threonine phosphatase interacting protein 1; plus strand). Cytogenetic location: 15q24.3.
Variant type: single nucleotide variant.
Coding change: c.1225C>A on transcript NM_003978.5 (MANE Select); coding-DNA position 1225, C replaced by A.
Protein change: p.Pro409Thr; replaces proline 409 with threonine.
Molecular consequence: missense variant. On other transcripts: non-coding transcript variant (1).
Genome position (GRCh38, 1-based): chr15:77,037,150, C>A. VCF-style: chr15-77037150-C-A. GRCh37 (hg19) VCF-style: chr15-77329491-C-A.
Other names: c.1168C>A, p.Pro390Thr (NM_001321135.2); c.1198C>A, p.Pro400Thr (NM_001321136.2); c.1420C>A, p.Pro474Thr (NM_001321137.1); c.1216C>A, p.Pro406Thr (NM_001411086.1); short protein forms P390T, P409T, P406T, P474T, P400T.
Identifiers: ClinVar variation 3664152 (VCV003664152.2).

ClinVar aggregate classification (germline): Uncertain significance (1 of 4 stars; one submission).

Conditions:
Pyogenic arthritis-pyoderma gangrenosum-acne syndrome (PAPA). Also called: PAPA SYNDROME; FAMILIAL RECURRENT ARTHRITIS. Identifiers: Orphanet 69126, MedGen C1858361, MONDO:0011462, OMIM 604416.

Submission:

Labcorp Genetics (formerly Invitae), Labcorp
Classification: Uncertain significance for Pyogenic arthritis-pyoderma gangrenosum-acne syndrome. Last evaluated: 2024-08-09. Review status: criteria provided, single submitter. Criteria: Invitae Variant Classification Sherloc (09022015). Collection method: clinical testing. Allele origin: germline.
Comment: This sequence change replaces proline, which is neutral and non-polar, with threonine, which is neutral and polar, at codon 409 of the PSTPIP1 protein (p.Pro409Thr). This variant is not present in population databases (gnomAD no frequency). This variant has not been reported in the literature in individuals affected with PSTPIP1-related conditions. Advanced modeling of protein sequence and biophysical properties (such as structural, functional, and spatial information, amino acid conservation, physicochemical variation, residue mobility, and thermodynamic stability) performed at Invitae indicates that this missense variant is expected to disrupt PSTPIP1 protein function with a positive predictive value of 80%. In summary, the available evidence is currently insufficient to determine the role of this variant in disease. Therefore, it has been classified as a Variant of Uncertain Significance.